The following is an entry in ClinVar:

NM_006348.5(COG5):c.2470G>T (p.Ala824Ser)

Gene: COG5 (component of oligomeric golgi complex 5; minus strand). Cytogenetic location: 7q22.3.
Variant type: single nucleotide variant.
Coding change: c.2470G>T on transcript NM_006348.5 (MANE Select); coding-DNA position 2470, G replaced by T.
Protein change: p.Ala824Ser; replaces alanine 824 with serine.
Molecular consequence: missense variant.
Genome position (GRCh38, 1-based): chr7:107,203,536, C>A on the plus strand (G>T on the coding strand, the complement: COG5 is on the minus strand). VCF-style: chr7-107203536-C-A. GRCh37 (hg19) VCF-style: chr7-106843981-C-A.
Other names: c.2308G>T, p.Ala770Ser (NM_001379511.1); c.2296G>T, p.Ala766Ser (NM_001379512.1); c.2263G>T, p.Ala755Ser (NM_001379513.1); c.2155G>T, p.Ala719Ser (NM_001379514.1); c.1900G>T, p.Ala634Ser (NM_001379515.1); c.1756G>T, p.Ala586Ser (NM_001379516.1); c.2407G>T, p.Ala803Ser (NM_181733.4); short protein forms A586S, A755S, A770S, A824S, A634S, A766S, A803S, A719S.
Identifiers: ClinVar variation 1500262 (VCV001500262.8), dbSNP rs1798514537, ClinGen allele CA368837916.

ClinVar aggregate classification (germline): Uncertain significance (1 of 4 stars; one submission).

Conditions:
COG5-congenital disorder of glycosylation. Also called: CONGENITAL DISORDER OF GLYCOSYLATION, TYPE IIi; CDG IIi; COG5-CDG. Identifiers: Orphanet 263487, MedGen C3150876, MONDO:0013325, OMIM 613612.

Allele frequency attached by ClinVar (database versions not stated): gnomAD 0.00001.
gnomAD v4.1: 5 of 1,612,730 alleles (0.00031%); highest among the groups gnomAD compares: African/African-American, 0.0013%; no homozygotes.

Submission:

Labcorp Genetics (formerly Invitae), Labcorp
Classification: Uncertain significance for COG5-congenital disorder of glycosylation. Last evaluated: 2022-06-03. Review status: criteria provided, single submitter. Criteria: Invitae Variant Classification Sherloc (09022015). Collection method: clinical testing. Allele origin: germline.
Comment: In summary, the available evidence is currently insufficient to determine the role of this variant in disease. Therefore, it has been classified as a Variant of Uncertain Significance. Algorithms developed to predict the effect of missense changes on protein structure and function are either unavailable or do not agree on the potential impact of this missense change (SIFT: "Deleterious"; PolyPhen-2: "Probably Damaging"; Align-GVGD: "Class C0"). ClinVar contains an entry for this variant (Variation ID: 1500262). This variant has not been reported in the literature in individuals affected with COG5-related conditions. This variant is not present in population databases (gnomAD no frequency). This sequence change replaces alanine, which is neutral and non-polar, with serine, which is neutral and polar, at codon 855 of the COG5 protein (p.Ala855Ser).